The following is an entry in ClinVar:

NM_000572.3(IL10):c.134G>A (p.Arg45Gln)

Genes: IL19 (interleukin 19; plus strand), IL10 (interleukin 10; minus strand), LOC128462409 (CRISPRi-FlowFISH-validated IL10 regulatory element GRCh37_chr1:206945468-206946089; plus strand). Cytogenetic location: 1q32.1.
Variant type: single nucleotide variant.
Coding change: c.134G>A on transcript NM_000572.3 (MANE Select); coding-DNA position 134, G replaced by A.
Protein change: p.Arg45Gln; replaces arginine 45 with glutamine.
Molecular consequence: missense variant. On other transcripts: non-coding transcript variant (1), intron variant (2).
Genome position (GRCh38, 1-based): chr1:206,772,302, C>T on the plus strand (G>A on the coding strand, the complement: IL10 is on the minus strand). VCF-style: chr1-206772302-C-T. GRCh37 (hg19) VCF-style: chr1-206945647-C-T.
Other names: c.-149+1224C>T (NM_153758.5); c.-149+1472C>T (NM_001393490.1); short protein forms R45Q.
Identifiers: ClinVar variation 840379 (VCV000840379.7), dbSNP rs550164520, ClinGen allele CA1363835.

ClinVar aggregate classification (germline): Uncertain significance (1 of 4 stars; one submission).

Conditions:
Inflammatory bowel disease. Identifiers: Orphanet 104012, MedGen C0021390, MONDO:0005265.

Allele frequency attached by ClinVar (database versions not stated): ExAC 0.00002; gnomAD 0.00002 and 0.00003; gnomAD exomes 0.00002; TOPMed 0.00003; 1000 Genomes Project 30x 0.00016; 1000 Genomes Project 0.00020.
gnomAD v4.1: 73 of 1,614,156 alleles (0.0045%); highest among the groups gnomAD compares: Non-Finnish European, 0.0059%; no homozygotes.

Submission:

Labcorp Genetics (formerly Invitae), Labcorp
Classification: Uncertain significance for Inflammatory bowel disease. Last evaluated: 2022-08-23. Review status: criteria provided, single submitter. Criteria: Invitae Variant Classification Sherloc (09022015). Collection method: clinical testing. Allele origin: germline.
Comment: This sequence change replaces arginine, which is basic and polar, with glutamine, which is neutral and polar, at codon 45 of the IL10 protein (p.Arg45Gln). This variant is present in population databases (rs550164520, gnomAD 0.004%). This variant has not been reported in the literature in individuals affected with IL10-related conditions. ClinVar contains an entry for this variant (Variation ID: 840379). Algorithms developed to predict the effect of missense changes on protein structure and function (SIFT, PolyPhen-2, Align-GVGD) all suggest that this variant is likely to be disruptive. In summary, the available evidence is currently insufficient to determine the role of this variant in disease. Therefore, it has been classified as a Variant of Uncertain Significance.